The following is an entry in ClinVar:

NM_139057.4(ADAMTS17):c.560C>T (p.Thr187Ile)

Gene: ADAMTS17 (ADAM metallopeptidase with thrombospondin type 1 motif 17; minus strand). Cytogenetic location: 15q26.3.
Variant type: single nucleotide variant.
Coding change: c.560C>T on transcript NM_139057.4 (MANE Select); coding-DNA position 560, C replaced by T.
Protein change: p.Thr187Ile; replaces threonine 187 with isoleucine.
Molecular consequence: missense variant.
Genome position (GRCh38, 1-based): chr15:100,330,945, G>A on the plus strand (C>T on the coding strand, the complement: ADAMTS17 is on the minus strand). VCF-style: chr15-100330945-G-A. GRCh37 (hg19) VCF-style: chr15-100871150-G-A.
Other names: short protein forms T187I.
Identifiers: ClinVar variation 1369354 (VCV001369354.6), dbSNP rs2046032785, ClinGen allele CA394521222.

ClinVar aggregate classification (germline): Uncertain significance (1 of 4 stars; one submission).

Allele frequency attached by ClinVar (database versions not stated): TOPMed below 0.00001; gnomAD 0.00001.
gnomAD v4.1: 1 of 1,614,060 alleles (0.000062%); highest among the groups gnomAD compares: African/African-American, 0.0013%; no homozygotes.

Submission:

Labcorp Genetics (formerly Invitae), Labcorp
Classification: Uncertain significance. Last evaluated: 2021-04-18. Review status: criteria provided, single submitter. Criteria: Invitae Variant Classification Sherloc (09022015). Collection method: clinical testing. Allele origin: germline.
Comment: In summary, the available evidence is currently insufficient to determine the role of this variant in disease. Therefore, it has been classified as a Variant of Uncertain Significance. Algorithms developed to predict the effect of missense changes on protein structure and function are either unavailable or do not agree on the potential impact of this missense change (SIFT: "Not Available"; PolyPhen-2: "Benign"; Align-GVGD: "Not Available"). This variant has not been reported in the literature in individuals with ADAMTS17-related conditions. This variant is not present in population databases (ExAC no frequency). This sequence change replaces threonine with isoleucine at codon 187 of the ADAMTS17 protein (p.Thr187Ile). The threonine residue is weakly conserved and there is a moderate physicochemical difference between threonine and isoleucine.